The following is an entry in ClinVar:

NM_006019.4(TCIRG1):c.529_544del (p.Pro176_His177insTer)

Gene: TCIRG1 (T cell immune regulator 1, ATPase H+ transporting V0 subunit a3; plus strand). Cytogenetic location: 11q13.2.
Variant type: Deletion.
Coding change: c.529_544del on transcript NM_006019.4 (MANE Select); coding-DNA positions 529 to 544, 16 bases deleted (CACAAGGCCCCTGCCC).
Protein change: p.Pro176_His177insTer.
Molecular consequence: nonsense. On other transcripts: 5 prime UTR variant (2).
Genome position (GRCh38, 1-based): chr11:68,043,396-68,043,411, CACAAGGCCCCTGCCC deleted; deleting any 16 consecutive bases within chr11:68,043,392-68,043,411 gives the same sequence; the c. name uses the placement nearest the transcript's 3' end. VCF-style (leftmost placement, unchanged base first): chr11-68043391-AGCCCCACAAGGCCCCT-A. GRCh37 (hg19) VCF-style: chr11-67810858-AGCCCCACAAGGCCCCT-A.
Other names: c.-382_-367del (NM_001351059.2); c.-120_-105del (NM_006053.4).
Identifiers: ClinVar variation 2697666 (VCV002697666.3), dbSNP rs2495620313, ClinGen allele CA2697548730.
Genomic context (GRCh38, chr11:68,043,391, plus strand): 5'-AGGAGGTTGGAGCAGCCCTGCCCAGCCCCGTGGCCGCCAGCTTTGTGGCAGGTGCCGTGG[AGCCCCACAAGGCCCCT>A]GCCCTAGAGCGCCTGCTCTGGAGGGCCTGCCGCGGCTTCCTCATTGCCAGCTTCAGGGAG-3'

ClinVar aggregate classification (germline): Pathogenic (1 of 4 stars; one submission).

Submission:

Labcorp Genetics (formerly Invitae), Labcorp
Classification: Pathogenic. Last evaluated: 2023-11-20. Review status: criteria provided, single submitter. Criteria: Invitae Variant Classification Sherloc (09022015). Collection method: clinical testing. Allele origin: germline.
Comment: This sequence change creates a premature translational stop signal (p.His177*) in the TCIRG1 gene. It is expected to result in an absent or disrupted protein product. Loss-of-function variants in TCIRG1 are known to be pathogenic (PMID: 10888887, 10942435, 11532986, 19448635). This variant is not present in population databases (gnomAD no frequency). This variant has not been reported in the literature in individuals affected with TCIRG1-related conditions. For these reasons, this variant has been classified as Pathogenic.

Literature cited by the submitters: PubMed 10888887; PubMed 10942435; PubMed 11532986; PubMed 19448635.